The following is an entry in ClinVar:

NM_015378.4(VPS13D):c.8691dup (p.Cys2898fs)

Gene: VPS13D (vacuolar protein sorting 13 homolog D; plus strand). Cytogenetic location: 1p36.22.
Variant type: Duplication.
Coding change: c.8691dup on transcript NM_015378.4 (MANE Select); coding-DNA position 8691, one base duplicated (G; older notation c.8691dupG).
Protein change: p.Cys2898fs; shifts the reading frame from cysteine 2898.
Molecular consequence: frameshift variant.
Genome position (GRCh38, 1-based): chr1:12,341,844, G duplicated; the last of 4 consecutive G bases (chr1:12,341,841-12,341,844); duplicating any one gives the same sequence. VCF-style (leftmost placement, unchanged base first): chr1-12341840-C-CG. GRCh37 (hg19) VCF-style: chr1-12401897-C-CG.
Other names: c.8616dup, p.Cys2873fs (NM_018156.4); short protein forms C2873fs, C2898fs.
Identifiers: ClinVar variation 4989708 (VCV004989708.1).

ClinVar aggregate classification (germline): Likely pathogenic (1 of 4 stars; one submission).

Conditions:
VPS13D-related disorder. Also called: VPS13D-related condition.

Submission:

PreventionGenetics, part of Exact Sciences
Classification: Likely pathogenic for VPS13D-related condition. Last evaluated: 2025-07-23. Review status: criteria provided, single submitter. Criteria: ACMG Guidelines, 2015. Collection method: clinical testing. Allele origin: germline.
Comment: The VPS13D c.8691dupG variant is predicted to result in a frameshift and premature protein termination (p.Cys2898Valfs*36). To our knowledge, this variant has not been reported in the literature or in a large population database (gnomAD), indicating this variant is rare. Frameshift variants in VPS13D are expected to be pathogenic. This variant is interpreted as likely pathogenic.